The following is an entry in ClinVar:

ClinVar aggregate classification (germline): Uncertain significance (1 of 4 stars; one submission).

Submission:

Dasa
Classification: Uncertain significance. Last evaluated: 2026-07-03. Review status: criteria provided, single submitter. Criteria: DASA Assertion Criteria. Collection method: clinical testing. Allele origin: germline.
Comment: NM_001018115.3(FANCD2):c.3960C>G (p.His1320Gln) is a missense variant that results in the substitution of histidine with glutamine. This variant is rare in population databases. The currently available literature and clinical evidence are not sufficient to establish a definitive association between this variant and the reported condition. Therefore, this variant is classified as a variant of uncertain significance.

NM_001018115.3(FANCD2):c.3960C>G (p.His1320Gln)

Genes: FANCD2 (FA complementation group D2; plus strand), FANCD2OS (FANCD2 opposite strand; minus strand). Cytogenetic location: 3p25.3.
Variant type: single nucleotide variant.
Coding change: c.3960C>G on transcript NM_001018115.3 (MANE Select); coding-DNA position 3960, C replaced by G.
Protein change: p.His1320Gln; replaces histidine 1320 with glutamine.
Molecular consequence: missense variant. On other transcripts: intron variant (1).
Genome position (GRCh38, 1-based): chr3:10,094,360, C>G. VCF-style: chr3-10094360-C-G. GRCh37 (hg19) VCF-style: chr3-10136044-C-G.
Other names: c.3960C>G, p.His1320Gln (NM_001319984.2, NM_033084.6); c.3849C>G, p.His1283Gln (NM_001374253.1); c.3921C>G, p.His1307Gln (NM_001374254.1); c.*43+9838G>C (NM_173472.2); short protein forms H1283Q, H1307Q, H1320Q.
Identifiers: ClinVar variation 5020273 (VCV005020273.1).